The following is an entry in ClinVar:

NM_015268.4(DNAJC13):c.3594T>C (p.Thr1198=)

Gene: DNAJC13 (DnaJ heat shock protein family (Hsp40) member C13; plus strand). Cytogenetic location: 3q22.1.
Variant type: single nucleotide variant.
Coding change: c.3594T>C on transcript NM_015268.4 (MANE Select); coding-DNA position 3594, T replaced by C.
Protein change: p.Thr1198=; no amino-acid change (threonine 1198 retained).
Molecular consequence: synonymous variant.
Genome position (GRCh38, 1-based): chr3:132,491,022, T>C. VCF-style: chr3-132491022-T-C. GRCh37 (hg19) VCF-style: chr3-132209866-T-C.
Other names: p.Thr1198=; c.3609T>C, p.Thr1203= (NM_001329126.2).
Identifiers: ClinVar variation 770706 (VCV000770706.30), dbSNP rs61757222, ClinGen allele CA2619312.
Genomic context (GRCh38, chr3:132,491,022, plus strand): 5'-TTACTTAGAAAATTATGAACCTGAAAAGTTTTCTGAGATTTTTCTAGGAGAATTTGATAC[T>C]CCAGAAGCAATCTGGAGCAGTGAAATGAGGTAAATAACCAGTTGACTGATTGATTTGTAT-3'
Protein context (NP_056083.3, residues 1188-1208): FSEIFLGEFD[Thr1198=]PEAIWSSEMR

ClinVar aggregate classification (germline): Benign/Likely benign. Review status: criteria provided, multiple submitters, no conflicts (2 of 4 stars). 4 submissions from 4 submitters: Benign (3); Likely benign (1). Last evaluated 2026-04-01.

Allele frequency attached by ClinVar (database versions not stated): 1000 Genomes Project 0.00020; 1000 Genomes Project 30x 0.00078; gnomAD 0.00321 and 0.00340; TOPMed 0.00340; ExAC 0.00352; gnomAD exomes 0.00372 and 0.00424; ESP Exome Variant Server 0.00393.
gnomAD v4.1: 6,739 of 1,610,638 alleles (0.42%); highest among the groups gnomAD compares: Middle Eastern, 0.45%; 30 homozygotes.

Submissions (4):

CeGaT Center for Human Genetics Tuebingen
Classification: Likely benign. Last evaluated: 2026-04-01. Review status: criteria provided, single submitter. Criteria: CeGaT Center For Human Genetics Tuebingen Variant Classification Criteria Version 2. Collection method: clinical testing. Allele origin: germline. Affected: yes. Observed: 7 variant alleles.
Comment: DNAJC13: BP4, BP7, BS2

Mayo Clinic Laboratories, Mayo Clinic
Classification: Benign. Last evaluated: 2023-02-10. Review status: criteria provided, single submitter. Criteria: ACMG Guidelines, 2015. Collection method: clinical testing. Allele origin: germline. Observed: 8 variant alleles.
Comment: BS1, BS2, BP4, BP7

Labcorp Genetics (formerly Invitae), Labcorp
Classification: Benign. Last evaluated: 2019-12-31. Review status: criteria provided, single submitter. Criteria: Invitae Variant Classification Sherloc (09022015). Collection method: clinical testing. Allele origin: germline.

Breakthrough Genomics
Classification: Benign. Review status: criteria provided, single submitter. Criteria: ACMG Guidelines, 2015. Collection method: not provided. Allele origin: germline. Inheritance: Unknown mechanism. Affected: yes.